The following is an entry in ClinVar:

ClinVar aggregate classification (germline): Uncertain significance (1 of 4 stars; one submission).

Conditions:
Cardiovascular phenotype. Identifiers: MedGen CN230736.

Allele frequency attached by ClinVar (database versions not stated): gnomAD exomes below 0.00001; ExAC 0.00001; ESP Exome Variant Server 0.00008.
gnomAD v4.1: 6 of 1,587,792 alleles (0.00038%); highest among the groups gnomAD compares: Non-Finnish European, 0.00052%; no homozygotes.

Submission:

Ambry Genetics
Classification: Uncertain significance for Cardiovascular phenotype. Last evaluated: 2025-08-05. Review status: criteria provided, single submitter. Criteria: Ambry Variant Classification Scheme 2023. Collection method: clinical testing. Allele origin: germline.
Comment: The p.A97V variant (also known as c.290C>T), located in coding exon 1 of the TNXB gene, results from a C to T substitution at nucleotide position 290. The alanine at codon 97 is replaced by valine, an amino acid with similar properties. This amino acid position is highly conserved in available vertebrate species. In addition, the in silico prediction for this alteration is inconclusive. Based on the available evidence, the clinical significance of this variant remains unclear.

NM_001365276.2(TNXB):c.290C>T (p.Ala97Val)

Gene: TNXB (tenascin XB; minus strand). Cytogenetic location: 6p21.33.
Variant type: single nucleotide variant.
Coding change: c.290C>T on transcript NM_001365276.2 (MANE Select); coding-DNA position 290, C replaced by T.
Protein change: p.Ala97Val; replaces alanine 97 with valine.
Molecular consequence: missense variant.
Genome position (GRCh38, 1-based): chr6:32,097,909, G>A on the plus strand (C>T on the coding strand, the complement: TNXB is on the minus strand). VCF-style: chr6-32097909-G-A. GRCh37 (hg19) VCF-style: chr6-32065686-G-A.
Other names: c.290C>T, p.Ala97Val (NM_001428335.1, NM_019105.8); short protein forms A97V.
Identifiers: ClinVar variation 3180914 (VCV003180914.2), dbSNP rs376816337, ClinGen allele CA3735870.
Genomic context (GRCh38, chr6:32,097,909, plus strand): 5'-AGCCCCTTCACCAACTCCTCCAGGATCTCTAGACGGACCCTCAGGGCCTGTACCTCTGAA[G>A]CAAGGACTGGGGGCTCGGTGCCTGGGGGACAGCCACAGCCAGTGGAAGGGGGCAGGTTAA-3'
Protein context (NP_001352205.1, residues 87-107): CPPGTEPPVL[Ala97Val]SEVQALRVRL